The following is an entry in ClinVar:

ClinVar aggregate classification (germline): Uncertain significance (1 of 4 stars; one submission).

Submission:

Labcorp Genetics (formerly Invitae), Labcorp
Classification: Uncertain significance. Last evaluated: 2023-05-03. Review status: criteria provided, single submitter. Criteria: Invitae Variant Classification Sherloc (09022015). Collection method: clinical testing. Allele origin: germline.
Comment: In summary, the available evidence is currently insufficient to determine the role of this variant in disease. Therefore, it has been classified as a Variant of Uncertain Significance. An algorithm developed to predict the effect of missense changes on protein structure and function (PolyPhen-2) suggests that this variant is likely to be tolerated. This variant has not been reported in the literature in individuals affected with ERBIN-related conditions. This variant is not present in population databases (gnomAD no frequency). This sequence change replaces lysine, which is basic and polar, with glutamic acid, which is acidic and polar, at codon 988 of the ERBIN protein (p.Lys988Glu).

NM_001253697.2(ERBIN):c.2962A>G (p.Lys988Glu)

Gene: ERBIN (erbb2 interacting protein; plus strand). Cytogenetic location: 5q12.3.
Variant type: single nucleotide variant.
Coding change: c.2962A>G on transcript NM_001253697.2 (MANE Select); coding-DNA position 2962, A replaced by G.
Protein change: p.Lys988Glu; replaces lysine 988 with glutamic acid.
Molecular consequence: missense variant.
Genome position (GRCh38, 1-based): chr5:66,054,280, A>G. VCF-style: chr5-66054280-A-G. GRCh37 (hg19) VCF-style: chr5-65350108-A-G.
Other names: c.2962A>G, p.Lys988Glu (NM_001006600.3, NM_001253698.2, NM_001253699.2 and 1 more transcripts); c.2950A>G, p.Lys984Glu (NM_001253701.2); short protein forms K988E, K984E.
Identifiers: ClinVar variation 2805826 (VCV002805826.3), dbSNP rs1759361300, ClinGen allele CA359868315.